The following is an entry in ClinVar:

NM_001848.3(COL6A1):c.2653C>T (p.Arg885Cys)

Gene: COL6A1 (collagen type VI alpha 1 chain; plus strand). Cytogenetic location: 21q22.3.
Variant type: single nucleotide variant.
Coding change: c.2653C>T on transcript NM_001848.3 (MANE Select); coding-DNA position 2653, C replaced by T.
Protein change: p.Arg885Cys; replaces arginine 885 with cysteine.
Molecular consequence: missense variant.
Genome position (GRCh38, 1-based): chr21:46,003,579, C>T. VCF-style: chr21-46003579-C-T. GRCh37 (hg19) VCF-style: chr21-47423493-C-T.
Other names: short protein forms R885C.
Identifiers: ClinVar variation 452893 (VCV000452893.36), dbSNP rs746298580, ClinGen allele CA10070992.

ClinVar aggregate classification (germline): Conflicting classifications of pathogenicity. Review status: criteria provided, conflicting classifications (1 of 4 stars). 6 submissions from 6 submitters: Uncertain significance (5); Benign (1). Last evaluated 2025-11-24.

Conditions:
Bethlem myopathy 1A. Also called: MYOPATHY, BENIGN CONGENITAL, WITH CONTRACTURES; Bethlem myopathy 1; Bethlem Muscular Dystrophy. Identifiers: Orphanet 610, MedGen CN029274, MONDO:0024530, OMIM 158810.
Inborn genetic diseases. Identifiers: MedGen C0950123, MeSH D030342.

Allele frequency attached by ClinVar (database versions not stated): ExAC 0.00005; gnomAD 0.00005 and 0.00006; TOPMed 0.00005; gnomAD exomes 0.00006 and 0.00009.
gnomAD v4.1: 100 of 1,612,586 alleles (0.0062%); highest among the groups gnomAD compares: Admixed American, 0.035%; no homozygotes.

Submissions (6):

Labcorp Genetics (formerly Invitae), Labcorp
Classification: Benign for Bethlem myopathy 1A. Last evaluated: 2025-11-24. Review status: criteria provided, single submitter. Criteria: Invitae Variant Classification Sherloc (09022015). Collection method: clinical testing. Allele origin: germline.

Ambry Genetics
Classification: Uncertain significance for Inborn genetic diseases. Last evaluated: 2025-01-19. Review status: criteria provided, single submitter. Criteria: Ambry Variant Classification Scheme 2023. Collection method: clinical testing. Allele origin: germline.

CeGaT Center for Human Genetics Tuebingen
Classification: Uncertain significance. Last evaluated: 2024-08-01. Review status: criteria provided, single submitter. Criteria: CeGaT Center For Human Genetics Tuebingen Variant Classification Criteria Version 2. Collection method: clinical testing. Allele origin: germline. Affected: yes. Observed: 1 variant allele.
Comment: COL6A1: PM2, BP4

GeneDx
Classification: Uncertain significance. Last evaluated: 2022-04-11. Review status: criteria provided, single submitter. Criteria: GeneDx Variant Classification Process June 2021. Collection method: clinical testing. Allele origin: germline. Affected: yes.
Comment: Has not been previously published as pathogenic or benign to our knowledge; In silico analysis supports that this missense variant has a deleterious effect on protein structure/function

Revvity Omics, Revvity
Classification: Uncertain significance. Last evaluated: 2020-10-28. Review status: criteria provided, single submitter. Criteria: ACMG Guidelines, 2015. Collection method: clinical testing. Allele origin: germline.

Eurofins Ntd Llc (ga)
Classification: Uncertain significance. Last evaluated: 2017-09-27. Review status: criteria provided, single submitter. Criteria: EGL Classification Definitions 2015. Collection method: clinical testing. Allele origin: germline. Observed: 1 variant allele, 1 heterozygote.